The following is an entry in ClinVar:

ClinVar aggregate classification (germline): Uncertain significance (1 of 4 stars; one submission).

Submission:

Women's Health and Genetics/Laboratory Corporation of America, LabCorp
Classification: Uncertain significance. Last evaluated: 2026-01-26. Review status: criteria provided, single submitter. Criteria: LabCorp Variant Classification Summary - May 2015. Collection method: clinical testing. Allele origin: germline.
Comment: Variant summary: CHST14 c.817G>A (p.Glu273Lys) results in a conservative amino acid change in the encoded protein sequence. Algorithms developed to predict the effect of missense changes on protein structure and function are either unavailable or do not agree on the potential impact of this missense change. The variant allele was found at a frequency of 4e-06 in 251430 control chromosomes. The available data on variant occurrences in the general population are insufficient to allow any conclusion about variant significance. To our knowledge, no occurrence of c.817G>A in individuals affected with CHST14-related conditions and no experimental evidence demonstrating its impact on protein function have been reported. No submitters have cited clinical-significance assessments for this variant to ClinVar. Based on the evidence outlined above, the variant was classified as uncertain significance.

NM_130468.4(CHST14):c.817G>A (p.Glu273Lys)

Gene: CHST14 (carbohydrate sulfotransferase 14; plus strand). Cytogenetic location: 15q15.1.
Variant type: single nucleotide variant.
Coding change: c.817G>A on transcript NM_130468.4 (MANE Select); coding-DNA position 817, G replaced by A.
Protein change: p.Glu273Lys; replaces glutamic acid 273 with lysine.
Molecular consequence: missense variant.
Genome position (GRCh38, 1-based): chr15:40,472,030, G>A. VCF-style: chr15-40472030-G-A. GRCh37 (hg19) VCF-style: chr15-40764229-G-A.
Other names: short protein forms E273K.
Identifiers: ClinVar variation 4689713 (VCV004689713.1).
Genomic context (GRCh38, chr15:40,472,030, plus strand): 5'-CCTGCAGGCGACGATGTCACATTCCCCGAGTTCCTGAGATACCTGGTGGATGAGGACCCT[G>A]AGCGCATGAATGAGCATTGGATGCCCGTGTACCACCTGTGCCAGCCTTGTGCCGTGCACT-3'
Protein context (NP_569735.1, residues 263-283): FLRYLVDEDP[Glu273Lys]RMNEHWMPVY